The following is an entry in ClinVar:

ClinVar aggregate classification (germline): Uncertain significance. Review status: criteria provided, multiple submitters, no conflicts (2 of 4 stars). 3 submissions from 3 submitters: Uncertain significance (3). Last evaluated 2025-05-20.

Conditions:
Inborn genetic diseases. Identifiers: MedGen C0950123, MeSH D030342.
Predisposition to invasive fungal disease due to CARD9 deficiency (IMD103). Also called: CARD9 IMMUNODEFICIENCY; Candidiasis, familial, 2, autosomal recessive; IMMUNODEFICIENCY 103, SUSCEPTIBILITY TO FUNGAL INFECTIONS. Identifiers: Orphanet 457088, MedGen C1859353, MONDO:0008905, OMIM 212050.

Allele frequency attached by ClinVar (database versions not stated): gnomAD exomes 0.00003 and 0.00007; ExAC 0.00007; 1000 Genomes Project 0.00020; gnomAD 0.00027 and 0.00034; TOPMed 0.00030; 1000 Genomes Project 30x 0.00031.

Submissions (3):

Ambry Genetics
Classification: Uncertain significance for Inborn genetic diseases. Last evaluated: 2025-05-20. Review status: criteria provided, single submitter. Criteria: Ambry Variant Classification Scheme 2023. Collection method: clinical testing. Allele origin: germline.

Labcorp Genetics (formerly Invitae), Labcorp
Classification: Uncertain significance for Predisposition to invasive fungal disease due to CARD9 deficiency. Last evaluated: 2023-01-16. Review status: criteria provided, single submitter. Criteria: Invitae Variant Classification Sherloc (09022015). Collection method: clinical testing. Allele origin: germline.
Comment: In summary, the available evidence is currently insufficient to determine the role of this variant in disease. Therefore, it has been classified as a Variant of Uncertain Significance. Algorithms developed to predict the effect of missense changes on protein structure and function output the following: SIFT: "Tolerated"; PolyPhen-2: "Benign"; Align-GVGD: "Class C0". The leucine amino acid residue is found in multiple mammalian species, which suggests that this missense change does not adversely affect protein function. ClinVar contains an entry for this variant (Variation ID: 365832). This variant has not been reported in the literature in individuals affected with CARD9-related conditions. This variant is present in population databases (rs373635926, gnomAD 0.09%). This sequence change replaces phenylalanine, which is neutral and non-polar, with leucine, which is neutral and non-polar, at codon 465 of the CARD9 protein (p.Phe465Leu).

Illumina Laboratory Services, Illumina
Classification: Uncertain significance for Predisposition to invasive fungal disease due to CARD9 deficiency. Last evaluated: 2018-01-13. Review status: criteria provided, single submitter. Criteria: ICSL Variant Classification Criteria 13 December 2019. Collection method: clinical testing. Allele origin: germline.

NM_052813.5(CARD9):c.1393T>C (p.Phe465Leu)

Gene: CARD9 (caspase recruitment domain family member 9; minus strand). Cytogenetic location: 9q34.3.
Variant type: single nucleotide variant.
Coding change: c.1393T>C on transcript NM_052813.5 (MANE Select); coding-DNA position 1393, T replaced by C.
Protein change: p.Phe465Leu; replaces phenylalanine 465 with leucine.
Molecular consequence: missense variant.
Genome position (GRCh38, 1-based): chr9:136,365,182, A>G on the plus strand (T>C on the coding strand, the complement: CARD9 is on the minus strand). VCF-style: chr9-136365182-A-G. GRCh37 (hg19) VCF-style: chr9-139259634-A-G.
Other names: c.1393T>C, p.Phe465Leu (NM_052814.4); short protein forms F465L.
Identifiers: ClinVar variation 365832 (VCV000365832.12), dbSNP rs373635926, ClinGen allele CA5332649.